The following is an entry in ClinVar:

ClinVar aggregate classification (germline): Benign/Likely benign. Review status: criteria provided, multiple submitters, no conflicts (2 of 4 stars). 4 submissions from 4 submitters: Benign (1); Likely benign (2). 1 of the submissions does not count toward it. Last evaluated 2025-11-26.

Conditions:
SDHA-related disorder. Also called: SDHA-related condition; SDHA-related disorders.
Mitochondrial complex II deficiency, nuclear type 1. Also called: SUCCINATE CoQ REDUCTASE DEFICIENCY. Identifiers: Orphanet 3208, MedGen C5700310, MONDO:0100294, OMIM 252011.
Pheochromocytoma/paraganglioma syndrome 5. Also called: Paragangliomas 5; SDHA-Related Hereditary Paraganglioma-Pheochromocytoma Syndrome. Identifiers: Orphanet 29072, MedGen C3279992, MONDO:0013602, OMIM 614165.
Hereditary cancer-predisposing syndrome. Also called: Neoplastic Syndromes, Hereditary; Tumor predisposition; Hereditary neoplastic syndrome; Hereditary Cancer Syndrome. Identifiers: Orphanet 140162, MedGen C0027672, MeSH D009386, MONDO:0015356.

Allele frequency attached by ClinVar (database versions not stated): gnomAD exomes 0.00003.
gnomAD v4.1: 43 of 1,614,160 alleles (0.0027%); highest among the groups gnomAD compares: Non-Finnish European, 0.0035%; no homozygotes.

Submissions (4):

Labcorp Genetics (formerly Invitae), Labcorp
Classification: Likely benign for Pheochromocytoma/paraganglioma syndrome 5; Mitochondrial complex II deficiency, nuclear type 1. Last evaluated: 2025-11-26. Review status: criteria provided, single submitter. Criteria: Invitae Variant Classification Sherloc (09022015). Collection method: clinical testing. Allele origin: germline.

Myriad Genetics, Inc.
Classification: Benign for Pheochromocytoma/paraganglioma syndrome 5. Last evaluated: 2025-03-10. Review status: criteria provided, single submitter. Criteria: Myriad Autosomal Dominant, Autosomal Recessive and X-Linked Classification Criteria (2023). Collection method: clinical testing. Allele origin: unknown.
Comment: This variant is considered benign. This variant is a silent/synonymous amino acid change and it is not expected to impact splicing.

Ambry Genetics
Classification: Likely benign for Hereditary cancer-predisposing syndrome. Last evaluated: 2020-02-03. Review status: criteria provided, single submitter. Criteria: Ambry Variant Classification Scheme 2023. Collection method: clinical testing. Allele origin: germline.

PreventionGenetics, part of Exact Sciences
Classification: Likely benign for SDHA-related condition. Last evaluated: 2024-05-02. Review status: no assertion criteria provided. Collection method: clinical testing. Allele origin: germline. Not counted in ClinVar's aggregate classification.
Comment: This variant is classified as likely benign based on ACMG/AMP sequence variant interpretation guidelines (Richards et al. 2015 PMID: 25741868, with internal and published modifications).

NM_004168.4(SDHA):c.1203T>C (p.Pro401=)

Gene: SDHA (succinate dehydrogenase complex flavoprotein subunit A; plus strand). Cytogenetic location: 5p15.33.
Variant type: single nucleotide variant.
Coding change: c.1203T>C on transcript NM_004168.4 (MANE Select); coding-DNA position 1203, T replaced by C.
Protein change: p.Pro401=; no amino-acid change (proline 401 retained).
Molecular consequence: synonymous variant.
Genome position (GRCh38, 1-based): chr5:235,282, T>C. VCF-style: chr5-235282-T-C. GRCh37 (hg19) VCF-style: chr5-235397-T-C.
Other names: c.1059T>C, p.Pro353= (NM_001294332.2); c.1203T>C, p.Pro401= (NM_001330758.2).
Identifiers: ClinVar variation 539706 (VCV000539706.16), dbSNP rs1553999484, ClinGen allele CA442692008.
Genomic context (GRCh38, chr5:235,282, plus strand): 5'-TGGCATTTCAGAGACAGCCATGATCTTCGCTGGCGTGGACGTCACGAAGGAGCCGATCCC[T>C]GTCCTCCCCACCGTGCATTATAACATGGGCGGCATTCCCACCAACTACAAGGGGCAGGTG-3'
Protein context (NP_004159.2, residues 391-411): AGVDVTKEPI[Pro401=]VLPTVHYNMG